The following is an entry in ClinVar:

ClinVar aggregate classification (germline): Uncertain significance. Review status: criteria provided, multiple submitters, no conflicts (2 of 4 stars). 4 submissions from 4 submitters: Uncertain significance (4). Last evaluated 2025-11-10.

Conditions:
Hereditary cancer-predisposing syndrome. Also called: Hereditary neoplastic syndrome; Tumor predisposition; Neoplastic Syndromes, Hereditary; Hereditary Cancer Syndrome. Identifiers: Orphanet 140162, MedGen C0027672, MeSH D009386, MONDO:0015356.
Familial thoracic aortic aneurysm and aortic dissection (TAAD). Also called: Thoracic aortic aneurysms and dissections. Identifiers: Orphanet 91387, MedGen C4707243, MONDO:0019625.
Juvenile polyposis syndrome (JPS). Identifiers: Orphanet 2929, MedGen C0345893, MONDO:0017380, OMIM 174900.
Juvenile polyposis/hereditary hemorrhagic telangiectasia syndrome (JPHT). Also called: Juvenile Polyposis Syndrome / Hereditary Hemorrhagic Telangiectasia (JPS/HHT); JP/HHT SYNDROME; JUVENILE POLYPOSIS WITH HEREDITARY HEMORRHAGIC TELANGIECTASIA; POLYPOSIS, GENERALIZED JUVENILE, WITH PULMONARY ARTERIOVENOUS MALFORMATION; TELANGIECTASIA, HEREDITARY HEMORRHAGIC, WITH JUVENILE POLYPOSIS COLI. Identifiers: Orphanet 2929, MedGen C1832942, MONDO:0008278, OMIM 175050.

Submissions (4):

Labcorp Genetics (formerly Invitae), Labcorp
Classification: Uncertain significance for Juvenile polyposis syndrome. Last evaluated: 2025-11-10. Review status: criteria provided, single submitter. Criteria: Invitae Variant Classification Sherloc (09022015). Collection method: clinical testing. Allele origin: germline.
Comment: This sequence change replaces proline, which is neutral and non-polar, with arginine, which is basic and polar, at codon 198 of the SMAD4 protein (p.Pro198Arg). This variant is not present in population databases (gnomAD no frequency). This variant has not been reported in the literature in individuals affected with SMAD4-related conditions. ClinVar contains an entry for this variant (Variation ID: 529911). Invitae Evidence Modeling of protein sequence and biophysical properties (such as structural, functional, and spatial information, amino acid conservation, physicochemical variation, residue mobility, and thermodynamic stability) has been performed for this missense variant. However, the output from this modeling did not meet the statistical confidence thresholds required to predict the impact of this variant on SMAD4 protein function. In summary, the available evidence is currently insufficient to determine the role of this variant in disease. Therefore, it has been classified as a Variant of Uncertain Significance.

All of Us Research Program, National Institutes of Health
Classification: Uncertain significance for Juvenile polyposis/hereditary hemorrhagic telangiectasia syndrome. Last evaluated: 2023-12-18. Review status: criteria provided, single submitter. Criteria: ACMG Guidelines, 2015. Collection method: clinical testing. Allele origin: germline. Inheritance: Autosomal dominant inheritance. Observed: 1 variant allele, 1 heterozygote.
Comment: This missense variant replaces proline with arginine at codon 198 of the SMAD4 protein. Computational prediction suggests that this variant may not impact protein structure and function (internally defined REVEL score threshold <= 0.5, PMID: 27666373). To our knowledge, functional studies have not been reported for this variant. This variant has not been reported in individuals affected with SMAD4-related disorders in the literature. This variant has not been identified in the general population by the Genome Aggregation Database (gnomAD). The available evidence is insufficient to determine the role of this variant in disease conclusively. Therefore, this variant is classified as a Variant of Uncertain Significance.

This study involves interpretation of variants in research participants for the purpose of population health screening. Participant phenotype was not available at the time of variant classification. Additional details can be found in publication PMID: 35346344, PMCID: PMC8962531

GeneDx
Classification: Uncertain significance. Last evaluated: 2023-08-02. Review status: criteria provided, single submitter. Criteria: GeneDx Variant Classification Process June 2021. Collection method: clinical testing. Allele origin: germline. Affected: yes.
Comment: Not observed at significant frequency in large population cohorts (gnomAD); In silico analysis supports that this missense variant has a deleterious effect on protein structure/function; Has not been previously published as pathogenic or benign to our knowledge; This variant is associated with the following publications: (PMID: 15235019, 18823382, 22992590)

Ambry Genetics
Classification: Uncertain significance for Hereditary cancer-predisposing syndrome; Familial thoracic aortic aneurysm and aortic dissection. Last evaluated: 2022-11-01. Review status: criteria provided, single submitter. Criteria: Ambry Variant Classification Scheme 2023. Collection method: clinical testing. Allele origin: germline.
Comment: The p.P198R variant (also known as c.593C>G), located in coding exon 4 of the SMAD4 gene, results from a C to G substitution at nucleotide position 593. The proline at codon 198 is replaced by arginine, an amino acid with dissimilar properties. This amino acid position is highly conserved in available vertebrate species. In addition, this alteration is predicted to be deleterious by in silico analysis. Since supporting evidence is limited at this time, the clinical significance of this alteration remains unclear.

NM_005359.6(SMAD4):c.593C>G (p.Pro198Arg)

Gene: SMAD4 (SMAD family member 4; plus strand). Cytogenetic location: 18q21.2.
Variant type: single nucleotide variant.
Coding change: c.593C>G on transcript NM_005359.6 (MANE Select); coding-DNA position 593, C replaced by G.
Protein change: p.Pro198Arg; replaces proline 198 with arginine.
Molecular consequence: missense variant.
Genome position (GRCh38, 1-based): chr18:51,054,919, C>G. VCF-style: chr18-51054919-C-G. GRCh37 (hg19) VCF-style: chr18-48581289-C-G.
Other names: short protein forms P198R.
Identifiers: ClinVar variation 529911 (VCV000529911.14), dbSNP rs1189715258, ClinGen allele CA402461092.
Genomic context (GRCh38, chr18:51,054,919, plus strand): 5'-CAATTCAAACCATCCAGCATCCACCAAGTAATCGTGCATCGACAGAGACATACAGCACCC[C>G]AGCTCTGTTAGCCCCATCTGAGTCTAATGCTACCAGCACTGCCAACTTTCCCAACATTCC-3'
Protein context (NP_005350.1, residues 188-208): NRASTETYST[Pro198Arg]ALLAPSESNA